The following is an entry in ClinVar:

ClinVar aggregate classification (germline): Conflicting classifications of pathogenicity. Review status: criteria provided, conflicting classifications (1 of 4 stars). 5 submissions from 3 submitters: Pathogenic (1); Likely pathogenic (1); Uncertain significance (3). Last evaluated 2026-09-04.

Conditions:
Hypertrophic cardiomyopathy 2. Also called: TNNT2-Related Familial Hypertrophic Cardiomyopathy. Identifiers: MedGen C1861864, MONDO:0007266, OMIM 115195.
Dilated cardiomyopathy 1D. Identifiers: Orphanet 154, Orphanet 54260, MedGen C1832243, MONDO:0011095, OMIM 601494.
Cardiomyopathy, familial restrictive, 3. Identifiers: Orphanet 75249, MedGen C2676271, MONDO:0012900, OMIM 612422.
Cardiovascular phenotype. Identifiers: MedGen CN230736.

Submissions (5):

Ambry Genetics
Classification: Likely pathogenic for Cardiovascular phenotype. Last evaluated: 2026-09-04. Review status: criteria provided, single submitter. Criteria: Ambry Variant Classification Scheme 2023. Collection method: clinical testing. Allele origin: germline.
Comment: The p.E101G variant (also known as c.302A>G), located in coding exon 8 of the TNNT2 gene, results from an A to G substitution at nucleotide position 302. The glutamic acid at codon 101 is replaced by glycine, an amino acid with similar properties. This variant was reported in individual(s) with features consistent with TNNT2-related cardiomyopathy; in at least one individual, it was determined to be de novo (Ambry internal data; external communication). This amino acid position is conserved. In addition, this alteration is predicted to be deleterious by in silico analysis. This variant is considered to be rare based on population cohorts in the Genome Aggregation Database (gnomAD). Based on the majority of available evidence to date, this variant is likely to be pathogenic.

Labcorp Genetics (formerly Invitae), Labcorp
Classification: Pathogenic for Cardiomyopathy, familial restrictive, 3; Hypertrophic cardiomyopathy 2; Dilated cardiomyopathy 1D. Last evaluated: 2023-10-02. Review status: criteria provided, single submitter. Criteria: Invitae Variant Classification Sherloc (09022015). Collection method: clinical testing. Allele origin: germline.
Comment: This sequence change replaces glutamic acid, which is acidic and polar, with glycine, which is neutral and non-polar, at codon 101 of the TNNT2 protein (p.Glu101Gly). This variant is not present in population databases (gnomAD no frequency). This missense change has been observed in individual(s) with dilated cardiomyopathy (Invitae). In at least one individual the variant was observed to be de novo. ClinVar contains an entry for this variant (Variation ID: 1799003). Advanced modeling of protein sequence and biophysical properties (such as structural, functional, and spatial information, amino acid conservation, physicochemical variation, residue mobility, and thermodynamic stability) performed at Invitae indicates that this missense variant is expected to disrupt TNNT2 protein function. For these reasons, this variant has been classified as Pathogenic.

Genome-Nilou Lab
Classification: Uncertain significance for Dilated cardiomyopathy 1D. Last evaluated: 2023-04-11. Review status: criteria provided, single submitter. Criteria: ACMG Guidelines, 2015. Collection method: clinical testing. Allele origin: germline. Affected: no.

Genome-Nilou Lab
Classification: Uncertain significance for Cardiomyopathy, familial restrictive, 3. Last evaluated: 2023-04-11. Review status: criteria provided, single submitter. Criteria: ACMG Guidelines, 2015. Collection method: clinical testing. Allele origin: germline. Affected: no.

Genome-Nilou Lab
Classification: Uncertain significance for Hypertrophic cardiomyopathy 2. Last evaluated: 2023-04-11. Review status: criteria provided, single submitter. Criteria: ACMG Guidelines, 2015. Collection method: clinical testing. Allele origin: germline. Affected: no.

NM_001276345.2(TNNT2):c.332A>G (p.Glu111Gly)

Gene: TNNT2 (troponin T2, cardiac type; minus strand). Cytogenetic location: 1q32.1.
Variant type: single nucleotide variant.
Coding change: c.332A>G on transcript NM_001276345.2 (MANE Select); coding-DNA position 332, A replaced by G.
Protein change: p.Glu111Gly; replaces glutamic acid 111 with glycine.
Molecular consequence: missense variant. On other transcripts: intron variant (1).
Genome position (GRCh38, 1-based): chr1:201,365,270, T>C on the plus strand (A>G on the coding strand, the complement: TNNT2 is on the minus strand). VCF-style: chr1-201365270-T-C. GRCh37 (hg19) VCF-style: chr1-201334398-T-C.
Other names: c.332A>G, p.Glu111Gly (NM_000364.4, NM_001406723.1); c.302A>G, p.Glu101Gly (NM_001001430.3, NM_001001431.3, NM_001276347.2 and 3 more transcripts); c.287A>G, p.Glu96Gly (NM_001001432.3, NM_001406728.1); c.299A>G, p.Glu100Gly (NM_001406725.1); c.291+340A>G (NM_001276346.2); short protein forms E100G, E101G, E96G, E111G.
Identifiers: ClinVar variation 1799003 (VCV001799003.9), dbSNP rs2527016118, ClinGen allele CA344206466.
Genomic context (GRCh38, chr1:201,365,270, plus strand): 5'-ACGAGCTCCTCCTCCTCTTTCTTCCTGTTCTCAAAGTGAGCCTCGATCAGCGCCTGCAAC[T>C]CATTCAGGTCCTTCTCCATGCGCTTCCGGTGGATGTCCTGTGGGTGGACCGCTGCGGCTC-3'
Protein context (NP_001263274.1, residues 101-121): HRKRMEKDLN[Glu111Gly]LQALIEAHFE